The following is an entry in ClinVar:

NM_002968.3(SALL1):c.2804C>T (p.Thr935Met)

Gene: SALL1 (spalt like transcription factor 1; minus strand). Cytogenetic location: 16q12.1.
Variant type: single nucleotide variant.
Coding change: c.2804C>T on transcript NM_002968.3 (MANE Select); coding-DNA position 2804, C replaced by T.
Protein change: p.Thr935Met; replaces threonine 935 with methionine.
Molecular consequence: missense variant.
Genome position (GRCh38, 1-based): chr16:51,139,418, G>A on the plus strand (C>T on the coding strand, the complement: SALL1 is on the minus strand). VCF-style: chr16-51139418-G-A. GRCh37 (hg19) VCF-style: chr16-51173329-G-A.
Other names: c.2513C>T, p.Thr838Met (NM_001127892.2); short protein forms T838M, T935M.
Identifiers: ClinVar variation 3253150 (VCV003253150.3), dbSNP rs755926434.
Genomic context (GRCh38, chr16:51,139,418, plus strand): 5'-TCGCTTGGGACCGCTCTCTGTGGTTTCTCCTCAATGCTGGGTGACTTGTGGAACTCCTGC[G>A]TGCTGTTGGACGGGGACAGAGCCTGCATGGAAGAGGTAGACTCTGAGATGGCTGGGCTGC-3'
Protein context (NP_002959.2, residues 925-945): SMQALSPSNS[Thr935Met]QEFHKSPSIE

ClinVar aggregate classification (germline): Uncertain significance. Review status: criteria provided, single submitter (1 of 4 stars). 2 submissions from 2 submitters: Uncertain significance (1). 1 of the submissions does not count toward it. Last evaluated 2025-12-30.

Conditions:
SALL1-related disorder. Also called: SALL1-related condition.

Allele frequency attached by ClinVar (database versions not stated): ExAC 0.00003; gnomAD exomes 0.00004; gnomAD 0.00003.
gnomAD v4.1: 68 of 1,614,058 alleles (0.0042%); highest among the groups gnomAD compares: Non-Finnish European, 0.0053%; no homozygotes.

Submissions (2):

GeneDx
Classification: Uncertain significance. Last evaluated: 2025-12-30. Review status: criteria provided, single submitter. Criteria: GeneDx Variant Classification Process June 2021. Collection method: clinical testing. Allele origin: germline.
Comment: Identified in a patient with microtia and classified as likely benign in published literature (PMID: 36362878); In silico analysis suggests that this missense variant does not alter protein structure/function; This variant is associated with the following publications: (PMID: 36362878)

PreventionGenetics, part of Exact Sciences
Classification: Uncertain significance for SALL1-related condition. Last evaluated: 2024-03-08. Review status: no assertion criteria provided. Collection method: clinical testing. Allele origin: germline. Not counted in ClinVar's aggregate classification.
Comment: The SALL1 c.2804C>T variant is predicted to result in the amino acid substitution p.Thr935Met. To our knowledge, this variant has not been reported in the literature. This variant is reported in 0.0085% of alleles in individuals of Latino descent in gnomAD. At this time, the clinical significance of this variant is uncertain due to the absence of conclusive functional and genetic evidence.